The following is an entry in ClinVar:

ClinVar aggregate classification (germline): Uncertain significance (1 of 4 stars; one submission).

Allele frequency attached by ClinVar (database versions not stated): ExAC 0.00001.
gnomAD v4.1: 1 of 1,614,234 alleles (0.000062%); highest among the groups gnomAD compares: Non-Finnish European, 0.000085%; no homozygotes.

Submission:

Labcorp Genetics (formerly Invitae), Labcorp
Classification: Uncertain significance. Last evaluated: 2024-09-12. Review status: criteria provided, single submitter. Criteria: Invitae Variant Classification Sherloc (09022015). Collection method: clinical testing. Allele origin: germline.
Comment: This sequence change replaces leucine, which is neutral and non-polar, with phenylalanine, which is neutral and non-polar, at codon 522 of the TRPM1 protein (p.Leu522Phe). This variant is present in population databases (no rsID available, gnomAD 0.0009%). This variant has not been reported in the literature in individuals affected with TRPM1-related conditions. ClinVar contains an entry for this variant (Variation ID: 1901539). Invitae Evidence Modeling of protein sequence and biophysical properties (such as structural, functional, and spatial information, amino acid conservation, physicochemical variation, residue mobility, and thermodynamic stability) indicates that this missense variant is not expected to disrupt TRPM1 protein function with a negative predictive value of 95%. In summary, the available evidence is currently insufficient to determine the role of this variant in disease. Therefore, it has been classified as a Variant of Uncertain Significance.

NM_001252024.2(TRPM1):c.1630C>T (p.Leu544Phe)

Gene: TRPM1 (transient receptor potential cation channel subfamily M member 1; minus strand). Cytogenetic location: 15q13.3.
Variant type: single nucleotide variant.
Coding change: c.1630C>T on transcript NM_001252024.2 (MANE Select); coding-DNA position 1630, C replaced by T.
Protein change: p.Leu544Phe; replaces leucine 544 with phenylalanine.
Molecular consequence: missense variant.
Genome position (GRCh38, 1-based): chr15:31,047,245, G>A on the plus strand (C>T on the coding strand, the complement: TRPM1 is on the minus strand). VCF-style: chr15-31047245-G-A. GRCh37 (hg19) VCF-style: chr15-31339448-G-A.
Other names: c.1681C>T, p.Leu561Phe (NM_001252020.2); c.1564C>T, p.Leu522Phe (NM_002420.6); short protein forms L522F, L561F, L544F.
Identifiers: ClinVar variation 1901539 (VCV001901539.5), dbSNP rs1555422349, ClinGen allele CA7452487.
Genomic context (GRCh38, chr15:31,047,245, plus strand): 5'-CCATGAGGTACTCCAGCACGAGCCCGATGTCTATGAGGCTGATGTGGTAATCAGGCGGAA[G>A]GTTGCTCTGTAAAAGAAGTCTGGTCTCAGGCCCTGTGAGAATGCGTTCGCAGTGTGGACT-3'
Protein context (NP_001238953.1, residues 534-554): LLVRDVKKSN[Leu544Phe]PPDYHISLID